The following is an entry in ClinVar:

ClinVar aggregate classification (germline): Uncertain significance. Review status: criteria provided, multiple submitters, no conflicts (2 of 4 stars). 2 submissions from 2 submitters: Uncertain significance (2). Last evaluated 2024-11-26.

Conditions:
Welander distal myopathy (WDM). Also called: Gower's muscular dystrophy; Welander distal myopathy, Swedish type; Distal myopathy, Swedish type; MUSCULAR DYSTROPHY, DISTAL, LATE-ONSET, AUTOSOMAL DOMINANT. Identifiers: Orphanet 603, MedGen C0221054, MONDO:0011466, OMIM 604454.
Inborn genetic diseases. Identifiers: MedGen C0950123, MeSH D030342.

Allele frequency attached by ClinVar (database versions not stated): gnomAD exomes below 0.00001.
gnomAD v4.1: 1 of 1,612,910 alleles (0.000062%); highest among the groups gnomAD compares: Admixed American, 0.0017%; no homozygotes.

Submissions (2):

Ambry Genetics
Classification: Uncertain significance for Inborn genetic diseases. Last evaluated: 2024-11-26. Review status: criteria provided, single submitter. Criteria: Ambry Variant Classification Scheme 2023. Collection method: clinical testing. Allele origin: germline.

Labcorp Genetics (formerly Invitae), Labcorp
Classification: Uncertain significance for Welander distal myopathy. Last evaluated: 2022-04-26. Review status: criteria provided, single submitter. Criteria: Invitae Variant Classification Sherloc (09022015). Collection method: clinical testing. Allele origin: germline.
Comment: In summary, the available evidence is currently insufficient to determine the role of this variant in disease. Therefore, it has been classified as a Variant of Uncertain Significance. Algorithms developed to predict the effect of missense changes on protein structure and function (SIFT, PolyPhen-2, Align-GVGD) all suggest that this variant is likely to be tolerated. This variant has not been reported in the literature in individuals affected with TIA1-related conditions. This variant is present in population databases (no rsID available, gnomAD 0.003%). This sequence change replaces histidine, which is basic and polar, with asparagine, which is neutral and polar, at codon 58 of the TIA1 protein (p.His58Asn).

NM_022173.4(TIA1):c.172C>A (p.His58Asn)

Gene: TIA1 (TIA1 cytotoxic granule associated RNA binding protein; minus strand). Cytogenetic location: 2p13.3.
Variant type: single nucleotide variant.
Coding change: c.172C>A on transcript NM_022173.4 (MANE Select); coding-DNA position 172, C replaced by A.
Protein change: p.His58Asn; replaces histidine 58 with asparagine.
Molecular consequence: missense variant. On other transcripts: non-coding transcript variant (17), 5 prime UTR variant (6).
Genome position (GRCh38, 1-based): chr2:70,230,806, G>T on the plus strand (C>A on the coding strand, the complement: TIA1 is on the minus strand). VCF-style: chr2-70230806-G-T. GRCh37 (hg19) VCF-style: chr2-70457938-G-T.
Other names: c.172C>A (NM_022173.2); c.172C>A, p.His58Asn (NM_001351508.2, NM_001351510.2, NM_001351516.2 and 5 more transcripts); c.178C>A, p.His60Asn (NM_001351509.2, NM_001351520.2); c.61C>A, p.His21Asn (NM_001351511.1, NM_001351513.1); c.67C>A, p.His23Asn (NM_001351512.1); c.-24C>A (NM_001351514.2, NM_001351523.2); c.-218C>A (NM_001351515.2); c.-467C>A (NM_001351517.2); and 2 more; short protein forms H21N, H58N, H23N, H60N.
Identifiers: ClinVar variation 1404868 (VCV001404868.7), dbSNP rs1422884714, ClinGen allele CA347157662.